The following is an entry in ClinVar:

NM_001005373.4(LRSAM1):c.1405C>T (p.Arg469Trp)

Gene: LRSAM1 (leucine rich repeat and sterile alpha motif containing 1; plus strand). Cytogenetic location: 9q33.3.
Variant type: single nucleotide variant.
Coding change: c.1405C>T on transcript NM_001005373.4 (MANE Select); coding-DNA position 1405, C replaced by T.
Protein change: p.Arg469Trp; replaces arginine 469 with tryptophan.
Molecular consequence: missense variant. On other transcripts: non-coding transcript variant (2).
Genome position (GRCh38, 1-based): chr9:127,489,501, C>T. VCF-style: chr9-127489501-C-T. GRCh37 (hg19) VCF-style: chr9-130251780-C-T.
Other names: c.1405C>T, p.Arg469Trp (NM_001005374.4, NM_001190723.3, NM_001384142.1 and 2 more transcripts); c.616C>T, p.Arg206Trp (NM_001384144.1); c.1405C>T (NM_138361.4); short protein forms R469W, R206W.
Identifiers: ClinVar variation 863385 (VCV000863385.11), dbSNP rs376468970, ClinGen allele CA5246973.

ClinVar aggregate classification (germline): Conflicting classifications of pathogenicity. Review status: criteria provided, conflicting classifications (1 of 4 stars). 3 submissions from 3 submitters: Uncertain significance (2); Likely benign (1). Last evaluated 2025-01-12.

Conditions:
Inborn genetic diseases. Identifiers: MedGen C0950123, MeSH D030342.
Charcot-Marie-Tooth disease axonal type 2P. Also called: Charcot-Marie-Tooth Neuropathy Type 2G; CHARCOT-MARIE-TOOTH DISEASE, AXONAL, TYPE 2G; CMT 2G; CHARCOT-MARIE-TOOTH NEUROPATHY, TYPE 2P. Identifiers: Orphanet 300319, Orphanet 99941, MedGen C3280797, MONDO:0013753, OMIM 614436.

Allele frequency attached by ClinVar (database versions not stated): ExAC 0.00009; gnomAD 0.00011; gnomAD exomes 0.00004 and 0.00005; ESP Exome Variant Server 0.00008; TOPMed 0.00012.
gnomAD v4.1: 68 of 1,608,862 alleles (0.0042%); highest among the groups gnomAD compares: African/African-American, 0.027%; no homozygotes.

Submissions (3):

Labcorp Genetics (formerly Invitae), Labcorp
Classification: Uncertain significance for Charcot-Marie-Tooth disease axonal type 2P. Last evaluated: 2025-01-12. Review status: criteria provided, single submitter. Criteria: Invitae Variant Classification Sherloc (09022015). Collection method: clinical testing. Allele origin: germline.
Comment: This sequence change replaces arginine, which is basic and polar, with tryptophan, which is neutral and slightly polar, at codon 469 of the LRSAM1 protein (p.Arg469Trp). This variant is present in population databases (rs376468970, gnomAD 0.03%). This variant has not been reported in the literature in individuals affected with LRSAM1-related conditions. ClinVar contains an entry for this variant (Variation ID: 863385). Invitae Evidence Modeling of protein sequence and biophysical properties (such as structural, functional, and spatial information, amino acid conservation, physicochemical variation, residue mobility, and thermodynamic stability) indicates that this missense variant is not expected to disrupt LRSAM1 protein function with a negative predictive value of 80%. In summary, the available evidence is currently insufficient to determine the role of this variant in disease. Therefore, it has been classified as a Variant of Uncertain Significance.

Ambry Genetics
Classification: Uncertain significance for Inborn genetic diseases. Last evaluated: 2022-03-02. Review status: criteria provided, single submitter. Criteria: Ambry Variant Classification Scheme 2023. Collection method: clinical testing. Allele origin: germline.
Comment: The p.R469W variant (also known as c.1405C>T), located in coding exon 17 of the LRSAM1 gene, results from a C to T substitution at nucleotide position 1405. The arginine at codon 469 is replaced by tryptophan, an amino acid with dissimilar properties. This amino acid position is well conserved in available vertebrate species. In addition, the in silico prediction for this alteration is inconclusive. Based on the supporting evidence, this variant is unlikely to be causative of autosomal dominant Charcot-Marie-Tooth disease; however, its contribution to the development of autosomal recessive Charcot-Marie-Tooth disease is uncertain.

GeneDx
Classification: Likely benign. Last evaluated: 2021-07-29. Review status: criteria provided, single submitter. Criteria: GeneDx Variant Classification Process June 2021. Collection method: clinical testing. Allele origin: germline. Affected: yes.